The following is an entry in ClinVar:

ClinVar aggregate classification (germline): Uncertain significance (1 of 4 stars; one submission).

Conditions:
Pulmonary fibrosis and/or bone marrow failure, Telomere-related, 3. Also called: PULMONARY FIBROSIS AND/OR BONE MARROW FAILURE SYNDROME, TELOMERE-RELATED, 3. Identifiers: Orphanet 2032, MedGen C4225346, MONDO:0014613, OMIM 616373.
Dyskeratosis congenita, autosomal recessive 5 (DKCB5). Identifiers: MedGen C3554656, MONDO:0014076, OMIM 615190.

Submission:

Labcorp Genetics (formerly Invitae), Labcorp
Classification: Uncertain significance for Dyskeratosis congenita, autosomal recessive 5; Pulmonary fibrosis and/or bone marrow failure, Telomere-related, 3. Last evaluated: 2025-04-29. Review status: criteria provided, single submitter. Criteria: Invitae Variant Classification Sherloc (09022015). Collection method: clinical testing. Allele origin: germline.
Comment: This sequence change replaces alanine, which is neutral and non-polar, with valine, which is neutral and non-polar, at codon 168 of the RTEL1 protein (p.Ala168Val). This variant is not present in population databases (gnomAD no frequency). This variant has not been reported in the literature in individuals affected with RTEL1-related conditions. ClinVar contains an entry for this variant (Variation ID: 956343). An algorithm developed to predict the effect of missense changes on protein structure and function (PolyPhen-2) suggests that this variant is likely to be disruptive. Algorithms developed to predict the effect of sequence changes on RNA splicing suggest that this variant may disrupt the consensus splice site. In summary, the available evidence is currently insufficient to determine the role of this variant in disease. Therefore, it has been classified as a Variant of Uncertain Significance.

NM_001283009.2(RTEL1):c.503C>T (p.Ala168Val)

Genes: RTEL1 (regulator of telomere elongation helicase 1; plus strand), RTEL1-TNFRSF6B (RTEL1-TNFRSF6B readthrough (NMD candidate); plus strand). Cytogenetic location: 20q13.33.
Variant type: single nucleotide variant.
Coding change: c.503C>T on transcript NM_001283009.2 (MANE Select); coding-DNA position 503, C replaced by T.
Protein change: p.Ala168Val; replaces alanine 168 with valine.
Molecular consequence: missense variant. On other transcripts: non-coding transcript variant (1), 5 prime UTR variant (1).
Genome position (GRCh38, 1-based): chr20:63,662,854, C>T. VCF-style: chr20-63662854-C-T. GRCh37 (hg19) VCF-style: chr20-62294207-C-T.
Other names: c.-167C>T (NM_001283010.1); c.503C>T, p.Ala168Val (NM_016434.4); c.575C>T, p.Ala192Val (NM_032957.5); short protein forms A168V, A192V.
Identifiers: ClinVar variation 956343 (VCV000956343.10), dbSNP rs2090048504, ClinGen allele CA409669952.